The following is an entry in ClinVar:

NM_016203.4(PRKAG2):c.660G>T (p.Pro220=)

Gene: PRKAG2 (protein kinase AMP-activated non-catalytic subunit gamma 2; minus strand). Cytogenetic location: 7q36.1.
Variant type: single nucleotide variant.
Coding change: c.660G>T on transcript NM_016203.4 (MANE Select); coding-DNA position 660, G replaced by T.
Protein change: p.Pro220=; no amino-acid change (proline 220 retained).
Molecular consequence: synonymous variant.
Genome position (GRCh38, 1-based): chr7:151,675,444, C>A on the plus strand (G>T on the coding strand, the complement: PRKAG2 is on the minus strand). VCF-style: chr7-151675444-C-A. GRCh37 (hg19) VCF-style: chr7-151372530-C-A.
Other names: c.528G>T, p.Pro176= (NM_001040633.2); c.288G>T, p.Pro96= (NM_001304527.2, NM_001363698.2).
Identifiers: ClinVar variation 922928 (VCV000922928.12), dbSNP rs774279454, ClinGen allele CA458798285.
Genomic context (GRCh38, chr7:151,675,444, plus strand): 5'-CCCGGCAGCCCCACCCACAGAAGGGCCCAGACTTACGGCTTTGGAGGGAGCATAGTGTGT[C>A]GGTGATGCCAGTGGAGGCCTGGTCGGGCTCTGGAAGGAAGACGGGCAGAACCTCTGCCCT-3'
Protein context (NP_057287.2, residues 210-230): QSPTRPPLAS[Pro220=]THYAPSKAAA

ClinVar aggregate classification (germline): Likely benign. Review status: criteria provided, multiple submitters, no conflicts (2 of 4 stars). 3 submissions from 3 submitters: Likely benign (3). Last evaluated 2023-11-28.

Conditions:
Cardiomyopathy (CMYO). Also called: Cardiomyopathies. Identifiers: Orphanet 167848, MedGen C0878544, MONDO:0004994, HP:0001638. Inheritance: Various modes of inheritance.
Lethal congenital glycogen storage disease of heart. Also called: GLYCOGEN STORAGE DISEASE OF HEART; PHOSPHORYLASE KINASE DEFICIENCY OF HEART. Identifiers: Orphanet 439854, MedGen C1849813, MONDO:0009867, OMIM 261740.
Hypertrophic cardiomyopathy. Also called: HYPERTROPHIC MYOCARDIOPATHY. Identifiers: Orphanet 217569, MedGen C0007194, MeSH D002312, MONDO:0005045, HP:0001639.

gnomAD v4.1: 4 of 1,614,096 alleles (0.00025%); highest among the groups gnomAD compares: Non-Finnish European, 0.00034%; no homozygotes.

Submissions (3):

All of Us Research Program, National Institutes of Health
Classification: Likely benign for Hypertrophic cardiomyopathy. Last evaluated: 2023-11-28. Review status: criteria provided, single submitter. Criteria: ACMG Guidelines, 2015. Collection method: clinical testing. Allele origin: germline. Inheritance: Autosomal dominant inheritance. Observed: 1 variant allele, 1 heterozygote.
Comment: This study involves interpretation of variants in research participants for the purpose of population health screening. Participant phenotype was not available at the time of variant classification. Additional details can be found in publication PMID: 35346344, PMCID: PMC8962531

Labcorp Genetics (formerly Invitae), Labcorp
Classification: Likely benign for Lethal congenital glycogen storage disease of heart. Last evaluated: 2020-01-30. Review status: criteria provided, single submitter. Criteria: Invitae Variant Classification Sherloc (09022015). Collection method: clinical testing. Allele origin: germline.

Color Diagnostics, LLC DBA Color Health
Classification: Likely benign for Cardiomyopathy. Last evaluated: 2018-12-16. Review status: criteria provided, single submitter. Criteria: ACMG Guidelines, 2015. Collection method: clinical testing. Allele origin: germline.